The following is an entry in ClinVar:

NM_020778.5(ALPK3):c.4344C>G (p.Ser1448Arg)

Gene: ALPK3 (alpha kinase 3; plus strand). Cytogenetic location: 15q25.3.
Variant type: single nucleotide variant.
Coding change: c.4344C>G on transcript NM_020778.5 (MANE Select); coding-DNA position 4344, C replaced by G.
Protein change: p.Ser1448Arg; replaces serine 1448 with arginine.
Molecular consequence: missense variant.
Genome position (GRCh38, 1-based): chr15:84,862,849, C>G. VCF-style: chr15-84862849-C-G. GRCh37 (hg19) VCF-style: chr15-85406080-C-G.
Other names: c.4950C>G (NM_020778.4); short protein forms S1448R.
Identifiers: ClinVar variation 2958164 (VCV002958164.4), dbSNP rs758620638, ClinGen allele CA7709936.

ClinVar aggregate classification (germline): Uncertain significance. Review status: criteria provided, multiple submitters, no conflicts (2 of 4 stars). 2 submissions from 2 submitters: Uncertain significance (2). Last evaluated 2025-07-22.

Conditions:
Cardiovascular phenotype. Identifiers: MedGen CN230736.

Submissions (2):

Labcorp Genetics (formerly Invitae), Labcorp
Classification: Uncertain significance. Last evaluated: 2025-07-22. Review status: criteria provided, single submitter. Criteria: Invitae Variant Classification Sherloc (09022015). Collection method: clinical testing. Allele origin: germline.
Comment: This sequence change replaces serine, which is neutral and polar, with arginine, which is basic and polar, at codon 1650 of the ALPK3 protein (p.Ser1650Arg). This variant is present in population databases (rs758620638, gnomAD 0.006%). This variant has not been reported in the literature in individuals affected with ALPK3-related conditions. ClinVar contains an entry for this variant (Variation ID: 2958164). Invitae Evidence Modeling of protein sequence and biophysical properties (such as structural, functional, and spatial information, amino acid conservation, physicochemical variation, residue mobility, and thermodynamic stability) indicates that this missense variant is expected to disrupt ALPK3 protein function with a positive predictive value of 80%. In summary, the available evidence is currently insufficient to determine the role of this variant in disease. Therefore, it has been classified as a Variant of Uncertain Significance.

Ambry Genetics
Classification: Uncertain significance for Cardiovascular phenotype. Last evaluated: 2024-01-06. Review status: criteria provided, single submitter. Criteria: Ambry Variant Classification Scheme 2023. Collection method: clinical testing. Allele origin: germline.
Comment: The p.S1650R variant (also known as c.4950C>G), located in coding exon 10 of the ALPK3 gene, results from a C to G substitution at nucleotide position 4950. The serine at codon 1650 is replaced by arginine, an amino acid with dissimilar properties. This amino acid position is conserved. In addition, this alteration is predicted to be tolerated by in silico analysis. Since supporting evidence is limited at this time, the clinical significance of this alteration remains unclear.